The following is an entry in ClinVar:

NM_000271.5(NPC1):c.3755-35C>T

Gene: NPC1 (NPC intracellular cholesterol transporter 1; minus strand). Cytogenetic location: 18q11.2.
Variant type: single nucleotide variant.
Coding change: c.3755-35C>T on transcript NM_000271.5 (MANE Select); 35 bases into the intron before coding-DNA position 3755, C replaced by T.
Molecular consequence: intron variant.
Genome position (GRCh38, 1-based): chr18:23,532,319, G>A on the plus strand (C>T on the coding strand, the complement: NPC1 is on the minus strand). VCF-style: chr18-23532319-G-A. GRCh37 (hg19) VCF-style: chr18-21112283-G-A.
Identifiers: ClinVar variation 5003131 (VCV005003131.1).

ClinVar aggregate classification (germline): Uncertain significance (1 of 4 stars; one submission).

Conditions:
Niemann-Pick disease, type C1. Also called: NEUROVISCERAL STORAGE DISEASE WITH VERTICAL SUPRANUCLEAR OPHTHALMOPLEGIA; NIEMANN-PICK DISEASE WITH CHOLESTEROL ESTERIFICATION BLOCK; NIEMANN-PICK DISEASE WITHOUT SPHINGOMYELINASE DEFICIENCY; NIEMANN-PICK DISEASE, CHRONIC NEURONOPATHIC FORM; NIEMANN-PICK DISEASE, VARIANT TYPE C1. Identifiers: Orphanet 646, MedGen C3179455, MONDO:0009757, OMIM 257220.

gnomAD v4.1: 72 of 1,612,846 alleles (0.0045%); highest among the groups gnomAD compares: African/African-American, 0.051%; no homozygotes.

Submission:

OLLIN Analises Genomicas, OLLIN
Classification: Uncertain significance for Niemann-Pick disease, type C1. Last evaluated: 2026-08-06. Review status: criteria provided, single submitter. Criteria: ACMG Guidelines 2015 PMID 25741868. Collection method: clinical testing. Allele origin: germline. Inheritance: Autosomal recessive inheritance.
Comment: This variant, has been observed in gnomAD with an allele frequency of 0.0045%, but has not been reported in ClinVar or identified in the literature. According to the currently available evidence, this variant has been classified as uncertain significance (PM2_P, PP3).